The following is an entry in ClinVar:

NM_000059.4(BRCA2):c.2303C>A (p.Thr768Asn)

Gene: BRCA2 (BRCA2 DNA repair associated; plus strand). Cytogenetic location: 13q13.1.
Variant type: single nucleotide variant.
Coding change: c.2303C>A on transcript NM_000059.4 (MANE Select); coding-DNA position 2303, C replaced by A.
Protein change: p.Thr768Asn; replaces threonine 768 with asparagine.
Molecular consequence: missense variant.
Genome position (GRCh38, 1-based): chr13:32,336,658, C>A. VCF-style: chr13-32336658-C-A. GRCh37 (hg19) VCF-style: chr13-32910795-C-A.
Other names: short protein forms T768N.
Identifiers: ClinVar variation 924206 (VCV000924206.5), dbSNP rs55824746, ClinGen allele CA387771330.

ClinVar aggregate classification (germline): Conflicting classifications of pathogenicity. Review status: criteria provided, conflicting classifications (1 of 4 stars). 2 submissions from 2 submitters: Uncertain significance (1); Likely benign (1). Last evaluated 2023-03-23.

Conditions:
Hereditary cancer-predisposing syndrome. Also called: Neoplastic Syndromes, Hereditary; Tumor predisposition; Hereditary Cancer Syndrome; Hereditary neoplastic syndrome. Identifiers: Orphanet 140162, MedGen C0027672, MeSH D009386, MONDO:0015356.

Submissions (2):

University of Washington Department of Laboratory Medicine, University of Washington
Classification: Likely benign for Hereditary cancer-predisposing syndrome. Last evaluated: 2023-03-23. Review status: criteria provided, single submitter. Criteria: Dines et al. (Genet Med. 2020). Collection method: curation. Allele origin: germline.
Comment: Missense variant in a coldspot region where missense variants are very unlikely to be pathogenic (PMID:31911673).

BRCA2 exon 11 coldspot. Reclassification based on statistical prior probability.

Color Diagnostics, LLC DBA Color Health
Classification: Uncertain significance for Hereditary cancer-predisposing syndrome. Last evaluated: 2019-08-13. Review status: criteria provided, single submitter. Criteria: ACMG Guidelines, 2015. Collection method: clinical testing. Allele origin: germline.
Comment: This missense variant replaces threonine with asparagine at codon 768 of the BRCA2 protein. Computational prediction tools and conservation analyses suggest that this variant may not impact the protein function. Computational splicing tools suggest that this variant may not impact RNA splicing. To our knowledge, functional assays have not been performed for this variant nor has this variant been reported in individuals affected with hereditary cancer in the literature. This variant has not been identified in the general population by the Genome Aggregation Database (gnomAD). Available evidence is insufficient to determine the role of this variant in disease conclusively. Therefore, this variant is classified as a Variant of Uncertain Significance.